The following is an entry in ClinVar:

ClinVar aggregate classification (germline): Uncertain significance (1 of 4 stars; one submission).

Conditions:
Severe early-onset pulmonary alveolar proteinosis due to MARS deficiency. Also called: PULMONARY ALVEOLAR PROTEINOSIS, REUNION ISLAND; Interstitial lung and liver disease. Identifiers: Orphanet 440427, MedGen C4225400, MONDO:0014206, OMIM 615486.
Charcot-Marie-Tooth disease axonal type 2U. Also called: CHARCOT-MARIE-TOOTH NEUROPATHY, TYPE 2U; CHARCOT-MARIE-TOOTH DISEASE, AXONAL, AUTOSOMAL DOMINANT, TYPE 2U. Identifiers: Orphanet 397735, MedGen C4084821, MONDO:0014566, OMIM 616280.

Submission:

Labcorp Genetics (formerly Invitae), Labcorp
Classification: Uncertain significance for Charcot-Marie-Tooth disease axonal type 2U; Severe early-onset pulmonary alveolar proteinosis due to MARS deficiency. Last evaluated: 2022-11-22. Review status: criteria provided, single submitter. Criteria: Invitae Variant Classification Sherloc (09022015). Collection method: clinical testing. Allele origin: germline.
Comment: In summary, the available evidence is currently insufficient to determine the role of this variant in disease. Therefore, it has been classified as a Variant of Uncertain Significance. Algorithms developed to predict the effect of missense changes on protein structure and function are either unavailable or do not agree on the potential impact of this missense change (SIFT: "Deleterious"; PolyPhen-2: "Benign"; Align-GVGD: "Class C0"). This variant has not been reported in the literature in individuals affected with MARS-related conditions. This variant is not present in population databases (gnomAD no frequency). This sequence change replaces serine, which is neutral and polar, with cysteine, which is neutral and slightly polar, at codon 142 of the MARS protein (p.Ser142Cys).

NM_004990.4(MARS1):c.425C>G (p.Ser142Cys)

Gene: MARS1 (methionyl-tRNA synthetase 1; plus strand). Cytogenetic location: 12q13.3.
Variant type: single nucleotide variant.
Coding change: c.425C>G on transcript NM_004990.4 (MANE Select); coding-DNA position 425, C replaced by G.
Protein change: p.Ser142Cys; replaces serine 142 with cysteine.
Molecular consequence: missense variant.
Genome position (GRCh38, 1-based): chr12:57,489,906, C>G. VCF-style: chr12-57489906-C-G. GRCh37 (hg19) VCF-style: chr12-57883689-C-G.
Other names: short protein forms S142C.
Identifiers: ClinVar variation 2104216 (VCV002104216.4), dbSNP rs1875798702, ClinGen allele CA385491571.